The following is an entry in ClinVar:

ClinVar aggregate classification (germline): Conflicting classifications of pathogenicity. Review status: criteria provided, conflicting classifications (1 of 4 stars). 2 submissions from 2 submitters: Uncertain significance (1); Likely benign (1). Last evaluated 2023-03-23.

Conditions:
Hereditary cancer-predisposing syndrome. Also called: Hereditary Cancer Syndrome; Neoplastic Syndromes, Hereditary; Tumor predisposition; Hereditary neoplastic syndrome. Identifiers: Orphanet 140162, MedGen C0027672, MeSH D009386, MONDO:0015356.

Submissions (2):

University of Washington Department of Laboratory Medicine, University of Washington
Classification: Likely benign for Hereditary cancer-predisposing syndrome. Last evaluated: 2023-03-23. Review status: criteria provided, single submitter. Criteria: Dines et al. (Genet Med. 2020). Collection method: curation. Allele origin: germline.
Comment: Missense variant in a coldspot region where missense variants are very unlikely to be pathogenic (PMID:31911673).

BRCA2 exon 11 coldspot. Reclassification based on statistical prior probability.

Ambry Genetics
Classification: Uncertain significance for Hereditary cancer-predisposing syndrome. Last evaluated: 2020-02-06. Review status: criteria provided, single submitter. Criteria: Ambry Variant Classification Scheme 2023. Collection method: clinical testing. Allele origin: germline.
Comment: The p.D1796N variant (also known as c.5386G>A), located in coding exon 10 of the BRCA2 gene, results from a G to A substitution at nucleotide position 5386. The aspartic acid at codon 1796 is replaced by asparagine, an amino acid with highly similar properties. This amino acid position is poorly conserved in available vertebrate species. In addition, this alteration is predicted to be tolerated by in silico analysis. Since supporting evidence is limited at this time, the clinical significance of this alteration remains unclear.

NM_000059.4(BRCA2):c.5386G>A (p.Asp1796Asn)

Gene: BRCA2 (BRCA2 DNA repair associated; plus strand). Cytogenetic location: 13q13.1.
Variant type: single nucleotide variant.
Coding change: c.5386G>A on transcript NM_000059.4 (MANE Select); coding-DNA position 5386, G replaced by A.
Protein change: p.Asp1796Asn; replaces aspartic acid 1796 with asparagine.
Molecular consequence: missense variant.
Genome position (GRCh38, 1-based): chr13:32,339,741, G>A. VCF-style: chr13-32339741-G-A. GRCh37 (hg19) VCF-style: chr13-32913878-G-A.
Other names: c.5386G>A, p.Asp1796Asn (NM_001406719.1, NM_001406720.1); short protein forms D1796N.
Identifiers: ClinVar variation 1747193 (VCV001747193.4), dbSNP rs1064793715, ClinGen allele CA387785235.